The following is an entry in ClinVar:

NM_007194.4(CHEK2):c.1260C>T (p.Cys420=)

Gene: CHEK2 (checkpoint kinase 2; minus strand). Cytogenetic location: 22q12.1.
Variant type: single nucleotide variant.
Coding change: c.1260C>T on transcript NM_007194.4 (MANE Select); coding-DNA position 1260, C replaced by T.
Protein change: p.Cys420=; no amino-acid change (cysteine 420 retained).
Molecular consequence: synonymous variant.
Genome position (GRCh38, 1-based): chr22:28,695,242, G>A on the plus strand (C>T on the coding strand, the complement: CHEK2 is on the minus strand). VCF-style: chr22-28695242-G-A. GRCh37 (hg19) VCF-style: chr22-29091230-G-A.
Other names: c.1260C>T (NM_007194.3); c.1389C>T, p.Cys463= (NM_001005735.3); c.597C>T, p.Cys199= (NM_001257387.3); c.1059C>T, p.Cys353= (NM_001349956.3); c.1173C>T, p.Cys391= (NM_145862.3).
Identifiers: ClinVar variation 2788902 (VCV002788902.7), dbSNP rs762205611, ClinGen allele CA513944850.

ClinVar aggregate classification (germline): Conflicting classifications of pathogenicity. Review status: criteria provided, conflicting classifications (1 of 4 stars). 3 submissions from 3 submitters: Uncertain significance (2); Likely benign (1). Last evaluated 2026-02-04.

Conditions:
Hereditary cancer-predisposing syndrome. Also called: Neoplastic Syndromes, Hereditary; Tumor predisposition; Hereditary Cancer Syndrome; Hereditary neoplastic syndrome. Identifiers: Orphanet 140162, MedGen C0027672, MeSH D009386, MONDO:0015356.
Familial cancer of breast. Also called: BREAST CANCER, FAMILIAL; Hereditary breast cancer; hereditary breast carcinoma. Identifiers: Orphanet 227535, MedGen C0346153, MONDO:0016419, OMIM 114480. Disease mechanism: loss of function.

Submissions (3):

Women's Health and Genetics/Laboratory Corporation of America, LabCorp
Classification: Uncertain significance. Last evaluated: 2026-02-04. Review status: criteria provided, single submitter. Criteria: LabCorp Variant Classification Summary - May 2015. Collection method: clinical testing. Allele origin: germline.
Comment: Variant summary: CHEK2 c.1260C>T (p.Cys420Cys) alters a conserved nucleotide located close to a canonical splice site and therefore could affect mRNA splicing, leading to a significantly altered protein sequence. Consensus agreement among computation tools predict no significant impact on normal splicing. However, these predictions have yet to be confirmed by functional studies. The variant was absent in 250074 control chromosomes. The available data on variant occurrences in the general population are insufficient to allow any conclusion about variant significance. To our knowledge, no occurrence of c.1260C>T in individuals affected with Hereditary Breast And Ovarian Cancer Syndrome and no experimental evidence demonstrating its impact on protein function have been reported. ClinVar contains an entry for this variant (Variation ID: 2788902). Based on the evidence outlined above, the variant was classified as uncertain significance.

Labcorp Genetics (formerly Invitae), Labcorp
Classification: Uncertain significance for Familial cancer of breast. Last evaluated: 2025-06-15. Review status: criteria provided, single submitter. Criteria: Invitae Variant Classification Sherloc (09022015). Collection method: clinical testing. Allele origin: germline.
Comment: This sequence change affects codon 420 of the CHEK2 mRNA. It is a 'silent' change, meaning that it does not change the encoded amino acid sequence of the CHEK2 protein. It affects a nucleotide within the consensus splice site. This variant is not present in population databases (gnomAD no frequency). This variant has not been reported in the literature in individuals affected with CHEK2-related conditions. ClinVar contains an entry for this variant (Variation ID: 2788902). Algorithms developed to predict the effect of sequence changes on RNA splicing suggest that this variant is not likely to affect RNA splicing. In summary, the available evidence is currently insufficient to determine the role of this variant in disease. Therefore, it has been classified as a Variant of Uncertain Significance.

Ambry Genetics
Classification: Likely benign for Hereditary cancer-predisposing syndrome. Last evaluated: 2025-03-20. Review status: criteria provided, single submitter. Criteria: Ambry Variant Classification Scheme 2023. Collection method: clinical testing. Allele origin: germline.